The following is an entry in ClinVar:

NM_006767.4(LZTR1):c.2316_2317delinsAA (p.Asn772_Val773delinsLysMet)

Gene: LZTR1 (leucine zipper like post translational regulator 1; plus strand). Cytogenetic location: 22q11.21.
Variant type: Indel.
Coding change: c.2316_2317delinsAA on transcript NM_006767.4 (MANE Select); coding-DNA positions 2316 to 2317, CG replaced by AA.
Protein change: p.Asn772_Val773delinsLysMet.
Molecular consequence: missense variant.
Genome position (GRCh38, 1-based): chr22:20,996,792-20,996,793, CG replaced by AA. VCF-style: chr22-20996792-CG-AA. GRCh37 (hg19) VCF-style: chr22-21351081-CG-AA.
Identifiers: ClinVar variation 1789488 (VCV001789488.3), dbSNP rs2518625832, ClinGen allele CA2580099316.
Genomic context (GRCh38, chr22:20,996,792, plus strand): 5'-CAACAACCGGCTGCAGGCGTACTGCAAGCAGAACCTGGAGATGAACGTGACGGTGCAGAA[CG>AA]TGCTGCAGGTAGCCCCCCAGCCCCGTGCACATGGCTGCAGCTCCCACTGAGTGGGTGAAA-3'

ClinVar aggregate classification (germline): Uncertain significance (1 of 4 stars; one submission).

Conditions:
Hereditary cancer-predisposing syndrome. Also called: Hereditary Cancer Syndrome; Hereditary neoplastic syndrome; Tumor predisposition; Neoplastic Syndromes, Hereditary. Identifiers: Orphanet 140162, MedGen C0027672, MeSH D009386, MONDO:0015356.
Cardiovascular phenotype. Identifiers: MedGen CN230736.

Submission:

Ambry Genetics
Classification: Uncertain significance for Cardiovascular phenotype; Hereditary cancer-predisposing syndrome. Last evaluated: 2022-10-31. Review status: criteria provided, single submitter. Criteria: Ambry Variant Classification Scheme 2023. Collection method: clinical testing. Allele origin: germline.
Comment: The c.2316_2317delCGinsAA variant (also known as p.N772_V773delinsKM), located in coding exon 19 of the LZTR1 gene, results from an in-frame deletion of CG and insertion of AA at nucleotide positions 2316 to 2317. This results in the substitution of the asparagine and valine for lysine and methionine at codons 772 and 773, amino acids with similar properties. These amino acid positions are highly conserved in available vertebrate species. In addition, this alteration is predicted to be deleterious by in silico analysis (Choi Y et al. PLoS ONE. 2012; 7(10):e46688). Since supporting evidence is limited at this time, the clinical significance of this alteration remains unclear.